The following is an entry in ClinVar:

NM_016256.4(NAGPA):c.174C>T (p.Asn58=)

Gene: NAGPA (N-acetylglucosamine-1-phosphodiester alpha-N-acetylglucosaminidase; minus strand). Cytogenetic location: 16p13.3.
Variant type: single nucleotide variant.
Coding change: c.174C>T on transcript NM_016256.4 (MANE Select); coding-DNA position 174, C replaced by T.
Protein change: p.Asn58=; no amino-acid change (asparagine 58 retained).
Molecular consequence: synonymous variant.
Genome position (GRCh38, 1-based): chr16:5,033,641, G>A on the plus strand (C>T on the coding strand, the complement: NAGPA is on the minus strand). VCF-style: chr16-5033641-G-A. GRCh37 (hg19) VCF-style: chr16-5083642-G-A.
Identifiers: ClinVar variation 3053239 (VCV003053239.2), dbSNP rs377257072, ClinGen allele CA7888930.

ClinVar aggregate classification (germline): Likely benign (0 of 4 stars; one submission).

Conditions:
NAGPA-related disorder. Also called: NAGPA-related condition.

Allele frequency attached by ClinVar (database versions not stated): gnomAD 0.00010; ESP Exome Variant Server 0.00011; ExAC 0.00016.
gnomAD v4.1: 161 of 1,538,850 alleles (0.01%); highest among the groups gnomAD compares: Non-Finnish European, 0.013%; no homozygotes.

Submission:

PreventionGenetics, part of Exact Sciences
Classification: Likely benign for NAGPA-related condition. Last evaluated: 2019-08-20. Review status: no assertion criteria provided. Collection method: clinical testing. Allele origin: germline.
Comment: This variant is classified as likely benign based on ACMG/AMP sequence variant interpretation guidelines (Richards et al. 2015 PMID: 25741868, with internal and published modifications).